The following continues an entry in ClinVar:

NM_000059.4(BRCA2):c.4552del (p.Glu1518fs)

Gene: BRCA2. ClinVar aggregate classification (germline): Pathogenic. Pathogenic (1).

Submissions 11 to 17 of 17:

Human Genome Sequencing Center Clinical Lab, Baylor College of Medicine
Classification: Pathogenic for Breast-ovarian cancer, familial, susceptibility to, 2. Last evaluated: 2017-11-10. Review status: criteria provided, single submitter. Criteria: ACMG Guidelines, 2015. Collection method: clinical testing. Allele origin: germline. Not counted in ClinVar's aggregate classification.
Comment: The c.4552delG frameshift variant in the BRCA2 gene is predicted to introduce a premature translation termination codon. It has been reported in multiple unrelated patients with breast cancer [PMID 16912212, 18284688]. A nonsense variant at the same position, c.4552G>T (p.Glu1518*), has also been reported in individuals with breast and ovarian cancer (PMID: 11897832). This variant in the BRCA2 gene is classified as pathogenic.

Consortium of Investigators of Modifiers of BRCA1/2 (CIMBA), c/o University of Cambridge
Classification: Pathogenic for Breast-ovarian cancer, familial, susceptibility to, 2. Last evaluated: 2015-10-02. Review status: criteria provided, single submitter. Criteria: CIMBA Mutation Classification guidelines May 2016. Collection method: clinical testing. Allele origin: germline. Not counted in ClinVar's aggregate classification.

Quest Diagnostics Nichols Institute San Juan Capistrano
Classification: Pathogenic. Last evaluated: 2015-03-31. Review status: criteria provided, single submitter. Criteria: Quest Diagnostics criteria. Collection method: clinical testing. Allele origin: germline. Not counted in ClinVar's aggregate classification.

Counsyl
Classification: Likely pathogenic for Breast-ovarian cancer, familial, susceptibility to, 2. Last evaluated: 2016-09-11. Review status: no assertion criteria provided. Collection method: clinical testing. Allele origin: unknown. Not counted in ClinVar's aggregate classification.

Pathway Genomics
Classification: Pathogenic for Breast-ovarian cancer, familial 2. Last evaluated: 2014-11-06. Review status: no assertion criteria provided. Collection method: clinical testing. Allele origin: germline. Not counted in ClinVar's aggregate classification.

Sharing Clinical Reports Project (SCRP)
Classification: Pathogenic for Breast-ovarian cancer, familial 2. Last evaluated: 2012-02-26. Review status: no assertion criteria provided. Collection method: clinical testing. Allele origin: germline. Not counted in ClinVar's aggregate classification.

Department of Pathology and Laboratory Medicine, Sinai Health System
Classification: Pathogenic for Malignant tumor of breast. Review status: no assertion criteria provided. Collection method: clinical testing. Allele origin: unknown. Affected: yes. Observed: 7 variant alleles. Study: The Canadian Open Genetics Repository (COGR). Not counted in ClinVar's aggregate classification.
Comment: The BRCA2 p.Glu1518AsnfsX25 deletion variant was identified in the literature in an individual with breast cancer (Lee 2008); however, the variant was not identified in any of the databases searched, including dbSNP, HGMD, UMD, COSMIC, BIC, and LOVD. The p.Glu1518AsnfsX25 deletion variant is predicted to cause a frameshift, which alters the protein's amino acid sequence beginning at codon 1518 and leads to a premature stop codon 25 codons downstream. This alteration is then predicted to result in a truncated or absent protein and loss of function. Loss of function variants of the BRCA2 gene are an established mechanism of disease in hereditary breast and ovarian cancer and is the type of variant expected to cause the disorder. In summary, based on the above information, this variant meets our laboratoryâ€šÃ„Ã´s criteria to be classified as pathogenic.

Literature cited by the submitters: PubMed 20104584 (cited by Labcorp Genetics (formerly Invitae), Labcorp); PubMed 16912212 (cited by 4 submitters); PubMed 18284688 (cited by 5 submitters); PubMed 11802209 (cited by Women's Health and Genetics/Laboratory Corporation of America, LabCorp); PubMed 29446198 (cited by Women's Health and Genetics/Laboratory Corporation of America, LabCorp); PubMed 31112363 (cited by Women's Health and Genetics/Laboratory Corporation of America, LabCorp); PubMed 26295337 (cited by Quest Diagnostics Nichols Institute San Juan Capistrano).